The following is an entry in ClinVar:

ClinVar aggregate classification (germline): Uncertain significance (1 of 4 stars; one submission).

Submission:

Ambry Genetics
Classification: Uncertain significance. Last evaluated: 2024-03-09. Review status: criteria provided, single submitter. Criteria: Ambry Variant Classification Scheme 2023. Collection method: clinical testing. Allele origin: germline.
Comment: The p.D109N variant (also known as c.325G>A), located in coding exon 1 of the GALNT12 gene, results from a G to A substitution at nucleotide position 325. The aspartic acid at codon 109 is replaced by asparagine, an amino acid with highly similar properties. This amino acid position is conserved. In addition, this alteration is predicted to be tolerated by in silico analysis. Based on the available evidence, the clinical significance of this alteration remains unclear.

NM_024642.5(GALNT12):c.325G>A (p.Asp109Asn)

Gene: GALNT12 (polypeptide N-acetylgalactosaminyltransferase 12; plus strand). Cytogenetic location: 9q22.33.
Variant type: single nucleotide variant.
Coding change: c.325G>A on transcript NM_024642.5 (MANE Select); coding-DNA position 325, G replaced by A.
Protein change: p.Asp109Asn; replaces aspartic acid 109 with asparagine.
Molecular consequence: missense variant.
Genome position (GRCh38, 1-based): chr9:98,808,023, G>A. VCF-style: chr9-98808023-G-A. GRCh37 (hg19) VCF-style: chr9-101570305-G-A.
Other names: short protein forms D109N.
Identifiers: ClinVar variation 3227946 (VCV003227946.1), dbSNP rs773910987, ClinGen allele CA374222960.